The following is an entry in ClinVar:

ClinVar aggregate classification (germline): Uncertain significance. Review status: criteria provided, multiple submitters, no conflicts (2 of 4 stars). 2 submissions from 2 submitters: Uncertain significance (2). Last evaluated 2025-02-03.

Conditions:
Frasier syndrome. Identifiers: Orphanet 347, MedGen C0950122, MeSH D052159, MONDO:0007635, OMIM 136680.
Wilms tumor 1 (WT1). Also called: Wilms tumor, somatic. Identifiers: Orphanet 654, MedGen CN033288, MONDO:0008679, OMIM 194070.
Drash syndrome (DDS). Also called: WILMS TUMOR AND PSEUDO- OR TRUE HERMAPHRODITISM; NEPHROPATHY, WILMS TUMOR, AND GENITAL ANOMALIES. Identifiers: Orphanet 220, MedGen C0950121, MONDO:0008682, OMIM 194080.
11p partial monosomy syndrome (WAGR). Also called: WAGR Complex; CHROMOSOME 11p13 DELETION SYNDROME; WAGR Spectrum Disorder; WAGR syndrome. Identifiers: Orphanet 893, MedGen C0206115, MONDO:0008681, OMIM 194072.
Inborn genetic diseases. Identifiers: MedGen C0950123, MeSH D030342.

Allele frequency attached by ClinVar (database versions not stated): gnomAD exomes below 0.00001.

Submissions (2):

Ambry Genetics
Classification: Uncertain significance for Inborn genetic diseases. Last evaluated: 2025-02-03. Review status: criteria provided, single submitter. Criteria: Ambry Variant Classification Scheme 2023. Collection method: clinical testing. Allele origin: germline.
Comment: The p.T314A variant (also known as c.940A>G), located in coding exon 4 of the WT1 gene, results from an A to G substitution at nucleotide position 940. The threonine at codon 314 is replaced by alanine, an amino acid with similar properties. This amino acid position is conserved. In addition, the in silico prediction for this alteration is inconclusive. Based on the available evidence, the clinical significance of this variant remains unclear.

Labcorp Genetics (formerly Invitae), Labcorp
Classification: Uncertain significance for Wilms tumor 1; Drash syndrome; 11p partial monosomy syndrome; Frasier syndrome. Last evaluated: 2023-07-12. Review status: criteria provided, single submitter. Criteria: Invitae Variant Classification Sherloc (09022015). Collection method: clinical testing. Allele origin: germline.
Comment: In summary, the available evidence is currently insufficient to determine the role of this variant in disease. Therefore, it has been classified as a Variant of Uncertain Significance. This sequence change replaces threonine, which is neutral and polar, with alanine, which is neutral and non-polar, at codon 314 of the WT1 protein (p.Thr314Ala). This variant is not present in population databases (gnomAD no frequency). This variant has not been reported in the literature in individuals affected with WT1-related conditions. ClinVar contains an entry for this variant (Variation ID: 1023756). Advanced modeling of protein sequence and biophysical properties (such as structural, functional, and spatial information, amino acid conservation, physicochemical variation, residue mobility, and thermodynamic stability) has been performed at Invitae for this missense variant, however the output from this modeling did not meet the statistical confidence thresholds required to predict the impact of this variant on WT1 protein function.

NM_024426.6(WT1):c.955A>G (p.Thr319Ala)

Gene: WT1 (WT1 transcription factor; minus strand). Cytogenetic location: 11p13.
Variant type: single nucleotide variant.
Coding change: c.955A>G on transcript NM_024426.6 (MANE Select); coding-DNA position 955, A replaced by G.
Protein change: p.Thr319Ala; replaces threonine 319 with alanine.
Molecular consequence: missense variant. On other transcripts: non-coding transcript variant (1).
Genome position (GRCh38, 1-based): chr11:32,417,587, T>C on the plus strand (A>G on the coding strand, the complement: WT1 is on the minus strand). VCF-style: chr11-32417587-T-C. GRCh37 (hg19) VCF-style: chr11-32439133-T-C.
Other names: c.955A>G, p.Thr319Ala (NM_000378.6, NM_001407044.1, NM_001407045.1 and 4 more transcripts); c.304A>G, p.Thr102Ala (NM_001198551.2, NM_001198552.2); c.832A>G, p.Thr278Ala (NM_001407047.1, NM_001407050.1); c.193A>G, p.Thr65Ala (NM_001407051.1); c.940A>G, p.Thr314Ala (NM_024425.2); c.940A>G (NM_024426.4); short protein forms T102A, T319A, T314A, T65A, T278A.
Identifiers: ClinVar variation 1023756 (VCV001023756.11), dbSNP rs1852716784, ClinGen allele CA379962027.